The following is an entry in ClinVar:

NM_001080.3(ALDH5A1):c.664G>A (p.Gly222Ser)

Gene: ALDH5A1 (aldehyde dehydrogenase 5 family member A1; plus strand). Cytogenetic location: 6p22.3.
Variant type: single nucleotide variant.
Coding change: c.664G>A on transcript NM_001080.3 (MANE Select); coding-DNA position 664, G replaced by A.
Protein change: p.Gly222Ser; replaces glycine 222 with serine.
Molecular consequence: missense variant.
Genome position (GRCh38, 1-based): chr6:24,504,923, G>A. VCF-style: chr6-24504923-G-A. GRCh37 (hg19) VCF-style: chr6-24505151-G-A.
Other names: c.664G>A, p.Gly222Ser (NM_001368954.1, NM_170740.1); short protein forms G222S.
Identifiers: ClinVar variation 1405101 (VCV001405101.4), dbSNP rs766251446, ClinGen allele CA3656686.

ClinVar aggregate classification (germline): Uncertain significance. Review status: criteria provided, multiple submitters, no conflicts (2 of 4 stars). 3 submissions from 3 submitters: Uncertain significance (3). Last evaluated 2022-08-16.

Conditions:
Succinate-semialdehyde dehydrogenase deficiency (SSADHD). Also called: 4-HYDROXYBUTYRIC ACIDURIA; SSADH DEFICIENCY; GABA METABOLIC DEFECT; Succinic Semialdehyde Dehydrogenase Deficiency. Identifiers: Orphanet 22, MedGen C0268631, MONDO:0010083, OMIM 271980.

Allele frequency attached by ClinVar (database versions not stated): ExAC 0.00001; gnomAD exomes 0.00001 and 0.00002; gnomAD 0.00003; TOPMed 0.00003.
gnomAD v4.1: 21 of 1,614,102 alleles (0.0013%); highest among the groups gnomAD compares: African/African-American, 0.013%; no homozygotes.

Submissions (3):

Labcorp Genetics (formerly Invitae), Labcorp
Classification: Uncertain significance for Succinate-semialdehyde dehydrogenase deficiency. Last evaluated: 2022-08-16. Review status: criteria provided, single submitter. Criteria: Invitae Variant Classification Sherloc (09022015). Collection method: clinical testing. Allele origin: germline.
Comment: This sequence change replaces glycine, which is neutral and non-polar, with serine, which is neutral and polar, at codon 222 of the ALDH5A1 protein (p.Gly222Ser). This variant is present in population databases (rs766251446, gnomAD 0.007%). This missense change has been observed in individual(s) with features of autism spectrum disorder but a second variant is not observed (PMID: 25363768, 27824329, 28407358). ClinVar contains an entry for this variant (Variation ID: 1405101). Advanced modeling of protein sequence and biophysical properties (such as structural, functional, and spatial information, amino acid conservation, physicochemical variation, residue mobility, and thermodynamic stability) performed at Invitae indicates that this missense variant is expected to disrupt ALDH5A1 protein function. In summary, the available evidence is currently insufficient to determine the role of this variant in disease. Therefore, it has been classified as a Variant of Uncertain Significance.

MVZ Martinsried, Medicover Genetics
Classification: Uncertain significance for Succinate-semialdehyde dehydrogenase deficiency. Last evaluated: 2022-06-20. Review status: criteria provided, single submitter. Criteria: ACGS Guidelines, 2020. Collection method: clinical testing. Allele origin: inherited. Affected: yes.

Blueprint Genetics
Classification: Uncertain significance. Last evaluated: 2021-03-25. Review status: criteria provided, single submitter. Criteria: ACMG Guidelines, 2015. Collection method: clinical testing. Allele origin: germline.

Literature cited by the submitters: PubMed 25363768 (cited by Labcorp Genetics (formerly Invitae), Labcorp); PubMed 27824329 (cited by Labcorp Genetics (formerly Invitae), Labcorp); PubMed 28407358 (cited by Labcorp Genetics (formerly Invitae), Labcorp).